The following is an entry in ClinVar:

NM_006393.3(NEBL):c.1613T>A (p.Val538Glu)

Gene: NEBL (nebulette; minus strand). Cytogenetic location: 10p12.31.
Variant type: single nucleotide variant.
Coding change: c.1613T>A on transcript NM_006393.3 (MANE Select); coding-DNA position 1613, T replaced by A.
Protein change: p.Val538Glu; replaces valine 538 with glutamic acid.
Molecular consequence: missense variant. On other transcripts: intron variant (9).
Genome position (GRCh38, 1-based): chr10:20,831,254, A>T on the plus strand (T>A on the coding strand, the complement: NEBL is on the minus strand). VCF-style: chr10-20831254-A-T. GRCh37 (hg19) VCF-style: chr10-21120183-A-T.
Other names: c.250-18314T>A (NM_001377326.1, NM_001377327.1, NM_001377328.1); c.358-18314T>A (NM_213569.2, NM_001173484.2, NM_001377322.1); c.301-18314T>A (NM_001377324.1); c.292-18314T>A (NM_001377325.1); c.310-18314T>A (NM_001377323.1); short protein forms V538E.
Identifiers: ClinVar variation 423523 (VCV000423523.10), dbSNP rs534382445, ClinGen allele CA16618949.

ClinVar aggregate classification (germline): Uncertain significance. Review status: criteria provided, multiple submitters, no conflicts (2 of 4 stars). 3 submissions from 3 submitters: Uncertain significance (3). Last evaluated 2024-10-27.

Conditions:
Primary dilated cardiomyopathy (DCM). Also called: Dilated Cardiomyopathy. Identifiers: Orphanet 217604, MedGen C0007193, MeSH D002311, MONDO:0005021, HP:0001644. Inheritance: Various modes of inheritance.

Allele frequency attached by ClinVar (database versions not stated): gnomAD 0.00001; gnomAD exomes 0.00002; TOPMed 0.00001.
gnomAD v4.1: 9 of 1,613,662 alleles (0.00056%); highest among the groups gnomAD compares: Admixed American, 0.015%; no homozygotes.

Submissions (3):

Labcorp Genetics (formerly Invitae), Labcorp
Classification: Uncertain significance for Primary dilated cardiomyopathy. Last evaluated: 2024-10-27. Review status: criteria provided, single submitter. Criteria: Invitae Variant Classification Sherloc (09022015). Collection method: clinical testing. Allele origin: germline.
Comment: This sequence change replaces valine, which is neutral and non-polar, with glutamic acid, which is acidic and polar, at codon 538 of the NEBL protein (p.Val538Glu). This variant is present in population databases (rs534382445, gnomAD 0.02%). This variant has not been reported in the literature in individuals affected with NEBL-related conditions. ClinVar contains an entry for this variant (Variation ID: 423523). An algorithm developed to predict the effect of missense changes on protein structure and function (PolyPhen-2) suggests that this variant is likely to be disruptive. In summary, the available evidence is currently insufficient to determine the role of this variant in disease. Therefore, it has been classified as a Variant of Uncertain Significance.

Ambry Genetics
Classification: Uncertain significance. Last evaluated: 2023-09-20. Review status: criteria provided, single submitter. Criteria: Ambry Variant Classification Scheme 2023. Collection method: clinical testing. Allele origin: germline.

GeneDx
Classification: Uncertain significance. Last evaluated: 2017-02-14. Review status: criteria provided, single submitter. Criteria: GeneDx Variant Classification (06012015). Collection method: clinical testing. Allele origin: germline. Affected: yes.
Comment: A variant of uncertain significance has been identified in the NEBL gene. The V538E variant has not been published as pathogenic or been reported as benign to our knowledge. This variant is not observed in large population cohorts (Lek et al., 2016; 1000 Genomes Consortium et al., 2015; Exome Variant Server). The V538E variant is a non-conservative amino acid substitution, which is likely to impact secondary protein structure as these residues differ in polarity, charge, size and/or other properties. This substitution occurs at a position where only amino acids with similar properties to valine are tolerated across species. In silico analysis predicts this variant is probably damaging to the protein structure/function. However, this variant lacks observation in a significant number of affected individuals, segregation data, and functional evidence, which would further clarify its pathogenicity.